The following is an entry in ClinVar:

NM_000138.5(FBN1):c.7048A>G (p.Ile2350Val)

Gene: FBN1 (fibrillin 1; minus strand). Cytogenetic location: 15q21.1.
Variant type: single nucleotide variant.
Coding change: c.7048A>G on transcript NM_000138.5 (MANE Select); coding-DNA position 7048, A replaced by G.
Protein change: p.Ile2350Val; replaces isoleucine 2350 with valine.
Molecular consequence: missense variant.
Genome position (GRCh38, 1-based): chr15:48,427,723, T>C on the plus strand (A>G on the coding strand, the complement: FBN1 is on the minus strand). VCF-style: chr15-48427723-T-C. GRCh37 (hg19) VCF-style: chr15-48719920-T-C.
Other names: p.I2350V:ATC>GTC; short protein forms I2350V.
Identifiers: ClinVar variation 200101 (VCV000200101.10), dbSNP rs794728263, ClinGen allele CA016952.

ClinVar aggregate classification (germline): Conflicting classifications of pathogenicity. Review status: criteria provided, conflicting classifications (1 of 4 stars). 4 submissions from 4 submitters: Uncertain significance (2); Likely benign (1). 1 of the submissions does not count toward it. Last evaluated 2025-07-05.

Conditions:
Marfan syndrome (MFS). Also called: MARFAN SYNDROME, TYPE I; FBN1-Related Marfan Syndrome; Marfan syndrome, classic; Marfan syndrome type 1; Marfan's syndrome. Identifiers: Orphanet 284963, Orphanet 558, MedGen C0024796, MONDO:0007947, OMIM 154700.
Familial thoracic aortic aneurysm and aortic dissection (TAAD). Also called: Thoracic aortic aneurysms and dissections. Identifiers: Orphanet 91387, MedGen C4707243, MONDO:0019625.
Loeys-Dietz syndrome (LDS). Identifiers: Orphanet 60030, MedGen C2697932, MONDO:0018954.

Allele frequency attached by ClinVar (database versions not stated): gnomAD exomes 0.00001 and below 0.00001.
gnomAD v4.1: 17 of 1,614,136 alleles (0.0011%); highest among the groups gnomAD compares: Non-Finnish European, 0.0013%; no homozygotes.

Submissions (4):

Labcorp Genetics (formerly Invitae), Labcorp
Classification: Likely benign for Marfan syndrome; Familial thoracic aortic aneurysm and aortic dissection. Last evaluated: 2025-07-05. Review status: criteria provided, single submitter. Criteria: Invitae Variant Classification Sherloc (09022015). Collection method: clinical testing. Allele origin: germline.

All of Us Research Program, National Institutes of Health
Classification: Uncertain significance for Marfan syndrome. Last evaluated: 2024-01-03. Review status: criteria provided, single submitter. Criteria: ACMG Guidelines, 2015. Collection method: clinical testing. Allele origin: germline. Inheritance: Autosomal dominant inheritance. Observed: 7 variant alleles, 7 heterozygotes.
Comment: This missense variant replaces isoleucine with valine at codon 2350 of the FBN1 protein. Computational prediction suggests that this variant may not impact protein structure and function (internally defined REVEL score threshold <= 0.5, PMID: 27666373). To our knowledge, functional studies have not been reported for this variant. This variant has not been reported in individuals affected with cardiovascular disorders in the literature. This variant has been identified in 1/250852 chromosomes in the general population by the Genome Aggregation Database (gnomAD). The available evidence is insufficient to determine the role of this variant in disease conclusively. Therefore, this variant is classified as a Variant of Uncertain Significance.

This study involves interpretation of variants in research participants for the purpose of population health screening. Participant phenotype was not available at the time of variant classification. Additional details can be found in publication PMID: 35346344, PMCID: PMC8962531

GeneDx
Classification: Uncertain significance. Last evaluated: 2014-01-12. Review status: criteria provided, single submitter. Criteria: GeneDx Variant Classification (06012015). Collection method: clinical testing. Allele origin: germline. Affected: yes.
Comment: p.Ile2350Val (ATC>GTC): c.7048 A>G in exon 58 of the FBN1 gene (NM_000138.4)The I2350V variant in the FBN1 gene has not been reported as a disease-causing mutation or as a benign polymorphism to our knowledge. The I2350V variant is a conservative amino acid substitution as these residues share similar properties, and are least likely to impact secondary structure. The I2350 residue is conserved through mammals in evolution. In silico analysis was inconsistent with regard to the effect this variant may have on the protein structure/function.. Nevertheless, the I2350V variant was not observed in approximately 6,500 individuals of European and African American ancestry in the NHLBI Exome Sequencing Project, indicating it is not a common benign variant in these populations.With the clinical and molecular information available at this time, we cannot definitively determine if I2350V is a disease-causing mutation or a rare benign variant.The variant is found in TAAD panel(s).

Clinical Molecular Genetics Laboratory, Johns Hopkins All Children's Hospital
Classification: Uncertain significance for Loeys-Dietz syndrome. Last evaluated: 2017-03-30. Review status: no assertion criteria provided. Collection method: clinical testing. Allele origin: germline. Affected: yes. Not counted in ClinVar's aggregate classification.